The following is an entry in ClinVar:

NM_016222.4(DDX41):c.386dup (p.Lys130fs)

Gene: DDX41 (DEAD-box helicase 41; minus strand). Cytogenetic location: 5q35.3.
Variant type: Duplication.
Coding change: c.386dup on transcript NM_016222.4 (MANE Select); coding-DNA position 386, one base duplicated (T; older notation c.386dupT).
Protein change: p.Lys130fs; shifts the reading frame from lysine 130.
Molecular consequence: frameshift variant.
Genome position (GRCh38, 1-based): chr5:177,515,977, A duplicated on the plus strand (T on the coding strand, the reverse complement: DDX41 is on the minus strand). VCF-style (leftmost placement, unchanged base first): chr5-177515976-C-CA. GRCh37 (hg19) VCF-style: chr5-176942977-C-CA.
Other names: c.8dup, p.Lys4fs (NM_001321732.2, NM_001321830.2); short protein forms K4fs, K130fs.
Identifiers: ClinVar variation 3644045 (VCV003644045.2).

ClinVar aggregate classification (germline): Pathogenic (1 of 4 stars; one submission).

Submission:

Labcorp Genetics (formerly Invitae), Labcorp
Classification: Pathogenic. Last evaluated: 2024-03-01. Review status: criteria provided, single submitter. Criteria: Invitae Variant Classification Sherloc (09022015). Collection method: clinical testing. Allele origin: germline.
Comment: This sequence change creates a premature translational stop signal (p.Lys130Glufs*5) in the DDX41 gene. It is expected to result in an absent or disrupted protein product. Loss-of-function variants in DDX41 are known to be pathogenic (PMID: 26712909, 27133828). This variant is not present in population databases (gnomAD no frequency). This variant has not been reported in the literature in individuals affected with DDX41-related conditions. For these reasons, this variant has been classified as Pathogenic.

Literature cited by the submitters: PubMed 26712909; PubMed 27133828.